The following is an entry in ClinVar:

ClinVar aggregate classification (germline): Pathogenic (1 of 4 stars; one submission).

Submission:

Labcorp Genetics (formerly Invitae), Labcorp
Classification: Pathogenic. Last evaluated: 2023-06-23. Review status: criteria provided, single submitter. Criteria: Invitae Variant Classification Sherloc (09022015). Collection method: clinical testing. Allele origin: unknown.
Comment: For these reasons, this variant has been classified as Pathogenic. The region of the HPS1 gene that includes exon(s) 11-20 has been determined to be clinically significant (Invitae). Therefore, deletions that encompass that region are likely to be disease-causing. This variant has not been reported in the literature in individuals affected with HPS1-related conditions. This variant is a gross deletion of the genomic region encompassing exon(s) 8-20 of the HPS1 gene, which includes the termination codon. This deletion extends beyond the assayed region for this gene and therefore may encompass additional genes. While this deletion is not anticipated to lead to nonsense mediated decay, it is expected to alter mRNA translation or result in a truncated protein product.

NC_000010.10:g.(?_100177321)_(100190447_?)del

Gene: HPS1 (HPS1 biogenesis of lysosomal organelles complex 3 subunit 1; minus strand). Cytogenetic location: 10q24.2.
Variant type: Deletion.
Identifiers: ClinVar variation 3244934 (VCV003244934.1).